The following is an entry in ClinVar:

ClinVar aggregate classification (germline): Conflicting classifications of pathogenicity. Review status: criteria provided, conflicting classifications (1 of 4 stars). 4 submissions from 4 submitters: Uncertain significance (1); Likely benign (2). 1 of the submissions does not count toward it. Last evaluated 2026-01-28.

Conditions:
BBS1-related disorder. Also called: BBS1-related condition.
Retinal dystrophy. Also called: Inherited retinal dystrophy. Identifiers: Orphanet 71862, MedGen C0854723, MeSH D058499, MONDO:0019118, HP:0000556.
Bardet-Biedl syndrome (BBS). Identifiers: Orphanet 110, MedGen C0752166, MONDO:0015229.
Bardet-Biedl syndrome 1 (BBS1). Identifiers: MedGen C2936862, MONDO:0008854, OMIM 209900. Disease mechanism: loss of function.

Allele frequency attached by ClinVar (database versions not stated): gnomAD 0.00001 and 0.00002; gnomAD exomes 0.00001; ExAC 0.00002.
gnomAD v4.1: 70 of 1,614,074 alleles (0.0043%); highest among the groups gnomAD compares: East Asian, 0.14%; no homozygotes.

Submissions (4):

Labcorp Genetics (formerly Invitae), Labcorp
Classification: Likely benign for Bardet-Biedl syndrome. Last evaluated: 2026-01-28. Review status: criteria provided, single submitter. Criteria: Invitae Variant Classification Sherloc (09022015). Collection method: clinical testing. Allele origin: germline.

Dept Of Ophthalmology, Nagoya University
Classification: Likely benign for Retinal dystrophy. Last evaluated: 2023-10-01. Review status: criteria provided, single submitter. Criteria: Submitter's publication. Collection method: research. Allele origin: germline. Affected: yes.

Illumina Laboratory Services, Illumina
Classification: Uncertain significance for Bardet-Biedl syndrome 1. Last evaluated: 2018-01-13. Review status: criteria provided, single submitter. Criteria: ICSL Variant Classification Criteria 13 December 2019. Collection method: clinical testing. Allele origin: germline.

PreventionGenetics, part of Exact Sciences
Classification: Likely benign for BBS1-related condition. Last evaluated: 2021-10-06. Review status: no assertion criteria provided. Collection method: clinical testing. Allele origin: germline. Not counted in ClinVar's aggregate classification.
Comment: This variant is classified as likely benign based on ACMG/AMP sequence variant interpretation guidelines (Richards et al. 2015 PMID: 25741868, with internal and published modifications).

NM_024649.5(BBS1):c.447C>T (p.Pro149=)

Gene: BBS1 (Bardet-Biedl syndrome 1; plus strand). Cytogenetic location: 11q13.2.
Variant type: single nucleotide variant.
Coding change: c.447C>T on transcript NM_024649.5 (MANE Select); coding-DNA position 447, C replaced by T.
Protein change: p.Pro149=; no amino-acid change (proline 149 retained).
Molecular consequence: synonymous variant.
Genome position (GRCh38, 1-based): chr11:66,515,554, C>T. VCF-style: chr11-66515554-C-T. GRCh37 (hg19) VCF-style: chr11-66283025-C-T.
Identifiers: ClinVar variation 305460 (VCV000305460.15), dbSNP rs763738657, ClinGen allele CA6123348.